The following is an entry in ClinVar:

ClinVar aggregate classification (germline): Conflicting classifications of pathogenicity. Review status: criteria provided, conflicting classifications (1 of 4 stars). 2 submissions from 2 submitters: Uncertain significance (1); Likely benign (1). Last evaluated 2024-12-24.

gnomAD v4.1: 38 of 1,611,076 alleles (0.0024%); highest among the groups gnomAD compares: Admixed American, 0.039%; no homozygotes.

Submissions (2):

Labcorp Genetics (formerly Invitae), Labcorp
Classification: Uncertain significance. Last evaluated: 2024-12-24. Review status: criteria provided, single submitter. Criteria: Invitae Variant Classification Sherloc (09022015). Collection method: clinical testing. Allele origin: germline.
Comment: This sequence change replaces valine, which is neutral and non-polar, with methionine, which is neutral and non-polar, at codon 556 of the SIX5 protein (p.Val556Met). This variant is present in population databases (rs2014377, gnomAD 0.05%). This variant has not been reported in the literature in individuals affected with SIX5-related conditions. ClinVar contains an entry for this variant (Variation ID: 1320975). Experimental studies and prediction algorithms are not available or were not evaluated, and the functional significance of this variant is currently unknown. In summary, the available evidence is currently insufficient to determine the role of this variant in disease. Therefore, it has been classified as a Variant of Uncertain Significance.

GeneDx
Classification: Likely benign. Last evaluated: 2021-05-11. Review status: criteria provided, single submitter. Criteria: GeneDx Variant Classification Process June 2021. Collection method: clinical testing. Allele origin: germline. Affected: yes.
Comment: In silico analysis supports that this missense variant does not alter protein structure/function; Has not been previously published as pathogenic or benign to our knowledge

NM_175875.5(SIX5):c.1666C>A (p.Leu556Met)

Gene: SIX5 (SIX homeobox 5; minus strand). Cytogenetic location: 19q13.32.
Variant type: single nucleotide variant.
Coding change: c.1666C>A on transcript NM_175875.5 (MANE Select); coding-DNA position 1666, C replaced by A.
Protein change: p.Leu556Met; replaces leucine 556 with methionine.
Molecular consequence: missense variant.
Genome position (GRCh38, 1-based): chr19:45,766,055, G>T on the plus strand (C>A on the coding strand, the complement: SIX5 is on the minus strand). VCF-style: chr19-45766055-G-T. GRCh37 (hg19) VCF-style: chr19-46269313-G-T.
Other names: short protein forms L556M.
Identifiers: ClinVar variation 1320975 (VCV001320975.8), dbSNP rs2014377, ClinGen allele CA9520547.
Genomic context (GRCh38, chr19:45,766,055, plus strand): 5'-CCTGGGAGACGAGCATGCTGGTGGGGAAGGTGGCGGTGAGGATGATCTTGCCCTGCTGCA[G>T]GGCCACACCCGTCACGATGGGGCTGCCAGACACAGGGTTGGCCAGGAGGAAGTTTCCTGT-3'
Protein context (NP_787071.3, residues 546-566): SGSPIVTGVA[Leu556Met]QQGKIILTAT